The following is an entry in ClinVar:

NM_015512.5(DNAH1):c.8653C>T (p.Arg2885Trp)

Gene: DNAH1 (dynein axonemal heavy chain 1; plus strand). Cytogenetic location: 3p21.1.
Variant type: single nucleotide variant.
Coding change: c.8653C>T on transcript NM_015512.5 (MANE Select); coding-DNA position 8653, C replaced by T.
Protein change: p.Arg2885Trp; replaces arginine 2885 with tryptophan.
Molecular consequence: missense variant.
Genome position (GRCh38, 1-based): chr3:52,386,187, C>T. VCF-style: chr3-52386187-C-T. GRCh37 (hg19) VCF-style: chr3-52420203-C-T.
Other names: short protein forms R2885W.
Identifiers: ClinVar variation 2151784 (VCV002151784.4), dbSNP rs368678706, ClinGen allele CA2435287.

ClinVar aggregate classification (germline): Uncertain significance (1 of 4 stars; one submission).

Conditions:
Spermatogenic failure 18. Identifiers: MedGen C4539783, MONDO:0054615, OMIM 617576.
Ciliary dyskinesia, primary, 37 (CILD37). Also called: CILIARY DYSKINESIA, PRIMARY, 37, WITH OR WITHOUT SITUS INVERSUS. Identifiers: MedGen C4539798, MONDO:0033204, OMIM 617577.

Allele frequency attached by ClinVar (database versions not stated): ExAC 0.00002; ESP Exome Variant Server 0.00008; 1000 Genomes Project 30x 0.00016; gnomAD exomes 0.00001; gnomAD 0.00003; 1000 Genomes Project 0.00020.
gnomAD v4.1: 22 of 1,613,544 alleles (0.0014%); highest among the groups gnomAD compares: African/African-American, 0.011%; no homozygotes.

Submission:

Labcorp Genetics (formerly Invitae), Labcorp
Classification: Uncertain significance for Ciliary dyskinesia, primary, 37; Spermatogenic failure 18. Last evaluated: 2025-02-10. Review status: criteria provided, single submitter. Criteria: Invitae Variant Classification Sherloc (09022015). Collection method: clinical testing. Allele origin: germline.
Comment: This sequence change replaces arginine, which is basic and polar, with tryptophan, which is neutral and slightly polar, at codon 2885 of the DNAH1 protein (p.Arg2885Trp). This variant is present in population databases (rs368678706, gnomAD 0.009%). This variant has not been reported in the literature in individuals affected with DNAH1-related conditions. ClinVar contains an entry for this variant (Variation ID: 2151784). Invitae Evidence Modeling of protein sequence and biophysical properties (such as structural, functional, and spatial information, amino acid conservation, physicochemical variation, residue mobility, and thermodynamic stability) indicates that this missense variant is expected to disrupt DNAH1 protein function with a positive predictive value of 80%. In summary, the available evidence is currently insufficient to determine the role of this variant in disease. Therefore, it has been classified as a Variant of Uncertain Significance.